The following is an entry in ClinVar:

ClinVar aggregate classification (germline): Uncertain significance. Review status: criteria provided, multiple submitters, no conflicts (2 of 4 stars). 2 submissions from 2 submitters: Uncertain significance (2). Last evaluated 2025-05-25.

Conditions:
Birt-Hogg-Dube syndrome. Also called: Birt Hogg Dubé syndrome. Identifiers: Orphanet 122, MedGen C0346010, MONDO:0800444.
Birt-Hogg-Dube syndrome 1 (BHD1). Also called: FIBROFOLLICULOMAS WITH TRICHODISCOMAS AND ACROCHORDONS. Identifiers: Orphanet 122, MedGen CN375946, MONDO:0800445, OMIM 135150.

gnomAD v4.1: 4 of 1,565,926 alleles (0.00026%); highest among the groups gnomAD compares: South Asian, 0.0033%; no homozygotes.

Submissions (2):

Labcorp Genetics (formerly Invitae), Labcorp
Classification: Uncertain significance for Birt-Hogg-Dube syndrome. Last evaluated: 2025-05-25. Review status: criteria provided, single submitter. Criteria: Invitae Variant Classification Sherloc (09022015). Collection method: clinical testing. Allele origin: germline.
Comment: This sequence change falls in intron 10 of the FLCN gene. It does not directly change the encoded amino acid sequence of the FLCN protein. This variant is not present in population databases (gnomAD no frequency). This variant has not been reported in the literature in individuals affected with FLCN-related conditions. ClinVar contains an entry for this variant (Variation ID: 3010873). Algorithms developed to predict the effect of sequence changes on RNA splicing suggest that this variant may create or strengthen a splice site. In summary, the available evidence is currently insufficient to determine the role of this variant in disease. Therefore, it has been classified as a Variant of Uncertain Significance.

Molecular Pathology, Peter Maccallum Cancer Centre
Classification: Uncertain significance for Birt-Hogg-Dube syndrome 1. Last evaluated: 2025-01-02. Review status: criteria provided, single submitter. Criteria: ACMG Guidelines, 2015. Collection method: clinical testing. Allele origin: germline. Inheritance: Autosomal dominant inheritance.

NM_144997.7(FLCN):c.1176+19T>C

Gene: FLCN (folliculin; minus strand). Cytogenetic location: 17p11.2.
Variant type: single nucleotide variant.
Coding change: c.1176+19T>C on transcript NM_144997.7 (MANE Select); 19 bases into the intron after coding-DNA position 1176, T replaced by C.
Molecular consequence: intron variant.
Genome position (GRCh38, 1-based): chr17:17,217,050, A>G on the plus strand (T>C on the coding strand, the complement: FLCN is on the minus strand). VCF-style: chr17-17217050-A-G. GRCh37 (hg19) VCF-style: chr17-17120364-A-G.
Other names: c.1176+19T>C (NM_144997.5, NM_001353231.2, NM_001353230.2); c.1230+19T>C (NM_001353229.2).
Identifiers: ClinVar variation 3010873 (VCV003010873.4), dbSNP rs2544171631, ClinGen allele CA2636352041.